The following is an entry in ClinVar:

ClinVar aggregate classification (germline): Uncertain significance (1 of 4 stars; one submission).

Submission:

GeneDx
Classification: Uncertain significance. Last evaluated: 2023-02-24. Review status: criteria provided, single submitter. Criteria: GeneDx Variant Classification Process June 2021. Collection method: clinical testing. Allele origin: germline. Affected: yes.
Comment: Not observed at significant frequency in large population cohorts (gnomAD); In silico analysis supports that this missense variant has a deleterious effect on protein structure/function; Has not been previously published as pathogenic or benign to our knowledge

NM_014991.6(WDFY3):c.3356C>T (p.Pro1119Leu)

Gene: WDFY3 (WD repeat and FYVE domain containing 3; minus strand). Cytogenetic location: 4q21.23.
Variant type: single nucleotide variant.
Coding change: c.3356C>T on transcript NM_014991.6 (MANE Select); coding-DNA position 3356, C replaced by T.
Protein change: p.Pro1119Leu; replaces proline 1119 with leucine.
Molecular consequence: missense variant.
Genome position (GRCh38, 1-based): chr4:84,794,650, G>A on the plus strand (C>T on the coding strand, the complement: WDFY3 is on the minus strand). VCF-style: chr4-84794650-G-A. GRCh37 (hg19) VCF-style: chr4-85715803-G-A.
Other names: short protein forms P1119L.
Identifiers: ClinVar variation 2577766 (VCV002577766.1), dbSNP rs2533712133, ClinGen allele CA357559501.